The following is an entry in ClinVar:

NM_024408.4(NOTCH2):c.6343del (p.Ser2115fs)

Gene: NOTCH2 (notch receptor 2; minus strand). Cytogenetic location: 1p12.
Variant type: Deletion.
Coding change: c.6343del on transcript NM_024408.4 (MANE Select); coding-DNA position 6343, one base deleted (A; older notation c.6343delA).
Protein change: p.Ser2115fs; shifts the reading frame from serine 2115.
Molecular consequence: frameshift variant.
Genome position (GRCh38, 1-based): chr1:119,916,379, T deleted on the plus strand (A on the coding strand, the reverse complement: NOTCH2 is on the minus strand). VCF-style (leftmost placement, unchanged base first): chr1-119916378-CT-C. GRCh37 (hg19) VCF-style: chr1-120459001-CT-C.
Other names: short protein forms S2115fs.
Identifiers: ClinVar variation 2769216 (VCV002769216.3), dbSNP rs2526107620, ClinGen allele CA2697554504.

ClinVar aggregate classification (germline): Pathogenic (1 of 4 stars; one submission).

Conditions:
Hajdu-Cheney syndrome (HJCYS). Also called: ACROOSTEOLYSIS WITH OSTEOPOROSIS AND CHANGES IN SKULL AND MANDIBLE; Acroosteolysis dominant type; SERPENTINE FIBULA-POLYCYSTIC KIDNEY SYNDROME. Identifiers: Orphanet 955, MedGen C0917715, MONDO:0007057, OMIM 102500.

Submission:

Labcorp Genetics (formerly Invitae), Labcorp
Classification: Pathogenic for Hajdu-Cheney syndrome. Last evaluated: 2023-10-23. Review status: criteria provided, single submitter. Criteria: Invitae Variant Classification Sherloc (09022015). Collection method: clinical testing. Allele origin: germline.
Comment: This sequence change creates a premature translational stop signal (p.Ser2115Alafs*21) in the NOTCH2 gene. While this is not anticipated to result in nonsense mediated decay, it is expected to disrupt the last 357 amino acid(s) of the NOTCH2 protein. This variant is not present in population databases (gnomAD no frequency). This variant has not been reported in the literature in individuals affected with NOTCH2-related conditions. This variant disrupts a region of the NOTCH2 protein in which other variant(s) (p.Ile2304Hisfs*9) have been determined to be pathogenic (PMID: 27312922). This suggests that this is a clinically significant region of the protein, and that variants that disrupt it are likely to be disease-causing. For these reasons, this variant has been classified as Pathogenic.

Literature cited by the submitters: PubMed 27312922.